The following is an entry in ClinVar:

ClinVar aggregate classification (germline): Likely pathogenic (1 of 4 stars; one submission).

Conditions:
Mucopolysaccharidosis, MPS-III-A (MPS3A). Also called: HEPARAN SULFATE SULFATASE DEFICIENCY; SANFILIPPO SYNDROME A; SULFAMIDASE DEFICIENCY; MPS III A; Mucopolysaccharidosis, type IIIA; MUCOPOLYSACCHARIDOSIS, TYPE IIIA, ATTENUATED. Identifiers: Orphanet 581, Orphanet 79269, MedGen C0086647, MONDO:0009655, OMIM 252900.

Allele frequency attached by ClinVar (database versions not stated): gnomAD exomes below 0.00001.
gnomAD v4.1: 2 of 1,576,244 alleles (0.00013%); highest among the groups gnomAD compares: Non-Finnish European, 0.000086%; no homozygotes.

Submission:

Labcorp Genetics (formerly Invitae), Labcorp
Classification: Likely pathogenic for Mucopolysaccharidosis, MPS-III-A. Last evaluated: 2022-11-29. Review status: criteria provided, single submitter. Criteria: Invitae Variant Classification Sherloc (09022015). Collection method: clinical testing. Allele origin: germline.
Comment: Advanced modeling of protein sequence and biophysical properties (such as structural, functional, and spatial information, amino acid conservation, physicochemical variation, residue mobility, and thermodynamic stability) performed at Invitae indicates that this missense variant is expected to disrupt SGSH protein function. This sequence change replaces glycine, which is neutral and non-polar, with valine, which is neutral and non-polar, at codon 80 of the SGSH protein (p.Gly80Val). This variant is not present in population databases (gnomAD no frequency). This missense change has been observed in individuals with clinical features of mucopolysaccharidosis type III (PMID: 27896117; Invitae). In summary, the currently available evidence indicates that the variant is pathogenic, but additional data are needed to prove that conclusively. Therefore, this variant has been classified as Likely Pathogenic.

Literature cited by the submitters: PubMed 27896117.

NM_000199.5(SGSH):c.239G>T (p.Gly80Val)

Gene: SGSH (N-sulfoglucosamine sulfohydrolase; minus strand). Cytogenetic location: 17q25.3.
Variant type: single nucleotide variant.
Coding change: c.239G>T on transcript NM_000199.5 (MANE Select); coding-DNA position 239, G replaced by T.
Protein change: p.Gly80Val; replaces glycine 80 with valine.
Molecular consequence: missense variant. On other transcripts: non-coding transcript variant (1).
Genome position (GRCh38, 1-based): chr17:80,217,042, C>A on the plus strand (G>T on the coding strand, the complement: SGSH is on the minus strand). VCF-style: chr17-80217042-C-A. GRCh37 (hg19) VCF-style: chr17-78190841-C-A.
Other names: c.239G>T, p.Gly80Val (NM_001352921.3, NM_001352922.2); short protein forms G80V.
Identifiers: ClinVar variation 2138122 (VCV002138122.4), dbSNP rs2510909137, ClinGen allele CA401364099.
Genomic context (GRCh38, chr17:80,217,042, plus strand): 5'-CAGCCTGTCTACTCCCTGCCCACCCCCTCCTCCCGCCCCTTGCACCTCACCTGGGGCAGG[C>A]CAGTGAGGAGGCTGGCGCGGCTGGGAGAGCAGCTGCTGACCGAGGTGAAGGCATTGCGAA-3'
Protein context (NP_000190.1, residues 70-90): CSPSRASLLT[Gly80Val]LPQHQNGMYG